The following is an entry in ClinVar:

ClinVar aggregate classification (germline): Uncertain significance (1 of 4 stars; one submission).

Conditions:
Developmental and epileptic encephalopathy, 12 (DEE12). Identifiers: MedGen C3150988, MONDO:0013389, OMIM 613722.

Submission:

Labcorp Genetics (formerly Invitae), Labcorp
Classification: Uncertain significance for Developmental and epileptic encephalopathy, 12. Last evaluated: 2020-07-02. Review status: criteria provided, single submitter. Criteria: Invitae Variant Classification Sherloc (09022015). Collection method: clinical testing. Allele origin: germline.
Comment: This variant is a gross duplication of the genomic region encompassing exons 1-3 of the PLCB1 gene. The 5' end of this event is unknown as it extends beyond the assayed region for this gene and therefore may encompass additional genes. The 3' boundary is likely confined to intron 3 of the PLCB1 gene. This variant has not been reported in the literature in individuals with a PLCB1-related disease. In summary, the exact genomic location of this variant is unknown and the impact of this duplication on PLCB1 protein function has not been established. Therefore, it has been classified as a Variant of Uncertain Significance.

NC_000020.10:g.(?_8113299)_(8352107_?)dup

Gene: PLCB1 (phospholipase C beta 1; plus strand). Cytogenetic location: 20p12.3.
Variant type: Duplication.
Identifiers: ClinVar variation 1011527 (VCV001011527.1).